The following is an entry in ClinVar:

ClinVar aggregate classification (germline): Uncertain significance (1 of 4 stars; one submission).

Conditions:
NIPBL-related disorder. Also called: NIPBL-related condition.

Submission:

PreventionGenetics, part of Exact Sciences
Classification: Uncertain significance for NIPBL-related condition. Last evaluated: 2023-01-09. Review status: criteria provided, single submitter. Criteria: ACMG Guidelines, 2015. Collection method: clinical testing. Allele origin: germline.
Comment: The NIPBL c.1168A>G variant is predicted to result in the amino acid substitution p.Ile390Val. To our knowledge, this variant has not been reported in the literature or in a large population database, indicating this variant is rare. At this time, the clinical significance of this variant is uncertain due to the absence of conclusive functional and genetic evidence.

NM_133433.4(NIPBL):c.1168A>G (p.Ile390Val)

Gene: NIPBL (NIPBL cohesin loading factor; plus strand). Cytogenetic location: 5p13.2.
Variant type: single nucleotide variant.
Coding change: c.1168A>G on transcript NM_133433.4 (MANE Select); coding-DNA position 1168, A replaced by G.
Protein change: p.Ile390Val; replaces isoleucine 390 with valine.
Molecular consequence: missense variant.
Genome position (GRCh38, 1-based): chr5:36,976,075, A>G. VCF-style: chr5-36976075-A-G. GRCh37 (hg19) VCF-style: chr5-36976177-A-G.
Other names: c.1168A>G, p.Ile390Val (NM_015384.5); short protein forms I390V.
Identifiers: ClinVar variation 2629802 (VCV002629802.1), dbSNP rs1172502916, ClinGen allele CA359485539.